The following is an entry in ClinVar:

NM_017654.4(SAMD9):c.4364A>G (p.Glu1455Gly)

Gene: SAMD9 (sterile alpha motif domain containing 9; minus strand). Cytogenetic location: 7q21.2.
Variant type: single nucleotide variant.
Coding change: c.4364A>G on transcript NM_017654.4 (MANE Select); coding-DNA position 4364, A replaced by G.
Protein change: p.Glu1455Gly; replaces glutamic acid 1455 with glycine.
Molecular consequence: missense variant.
Genome position (GRCh38, 1-based): chr7:93,101,734, T>C on the plus strand (A>G on the coding strand, the complement: SAMD9 is on the minus strand). VCF-style: chr7-93101734-T-C. GRCh37 (hg19) VCF-style: chr7-92731047-T-C.
Other names: c.4364A>G (NM_017654.3); c.4364A>G, p.Glu1455Gly (NM_001193307.2); short protein forms E1455G.
Identifiers: ClinVar variation 2886489 (VCV002886489.4), dbSNP rs2535353557, ClinGen allele CA368179249.
Genomic context (GRCh38, chr7:93,101,734, plus strand): 5'-TTTGTACGATGCATATGTTTATATTGCCCCTTGAAAGAATTTTTTAGTGCTTGAGCATAC[T>C]CTTTCATTTGTTCAGAATGTTGATCTAGTTGTTGATTTTCTGGCCAGAATAAGAGGGAAG-3'
Protein context (NP_060124.2, residues 1445-1465): QLDQHSEQMK[Glu1455Gly]YAQALKNSFK

ClinVar aggregate classification (germline): Uncertain significance. Review status: criteria provided, multiple submitters, no conflicts (2 of 4 stars). 2 submissions from 2 submitters: Uncertain significance (2). Last evaluated 2026-08-14.

Conditions:
Inborn genetic diseases. Identifiers: MedGen C0950123, MeSH D030342.

Submissions (2):

Ambry Genetics
Classification: Uncertain significance for Inborn genetic diseases. Last evaluated: 2026-08-14. Review status: criteria provided, single submitter. Criteria: Ambry Variant Classification Scheme 2023. Collection method: clinical testing. Allele origin: germline.
Comment: The p.E1455G variant (also known as c.4364A>G), located in coding exon 1 of the SAMD9 gene, results from an A to G substitution at nucleotide position 4364. The glutamic acid at codon 1455 is replaced by glycine, an amino acid with similar properties. This amino acid position is conserved. In addition, this alteration is predicted to be tolerated by in silico analysis. Based on the available evidence, the clinical significance of this variant remains unclear.

Labcorp Genetics (formerly Invitae), Labcorp
Classification: Uncertain significance. Last evaluated: 2025-10-23. Review status: criteria provided, single submitter. Criteria: Invitae Variant Classification Sherloc (09022015). Collection method: clinical testing. Allele origin: germline.
Comment: This sequence change replaces glutamic acid, which is acidic and polar, with glycine, which is neutral and non-polar, at codon 1455 of the SAMD9 protein (p.Glu1455Gly). This variant is not present in population databases (gnomAD no frequency). This variant has not been reported in the literature in individuals affected with SAMD9-related conditions. ClinVar contains an entry for this variant (Variation ID: 2886489). Invitae Evidence Modeling of protein sequence and biophysical properties (such as structural, functional, and spatial information, amino acid conservation, physicochemical variation, residue mobility, and thermodynamic stability) indicates that this missense variant is not expected to disrupt SAMD9 protein function with a negative predictive value of 95%. In summary, the available evidence is currently insufficient to determine the role of this variant in disease. Therefore, it has been classified as a Variant of Uncertain Significance.